The following is an entry in ClinVar:

NM_002439.5(MSH3):c.2969C>T (p.Ala990Val)

Gene: MSH3 (mutS homolog 3; plus strand). Cytogenetic location: 5q14.1.
Variant type: single nucleotide variant.
Coding change: c.2969C>T on transcript NM_002439.5 (MANE Select); coding-DNA position 2969, C replaced by T.
Protein change: p.Ala990Val; replaces alanine 990 with valine.
Molecular consequence: missense variant.
Genome position (GRCh38, 1-based): chr5:80,854,285, C>T. VCF-style: chr5-80854285-C-T. GRCh37 (hg19) VCF-style: chr5-80150104-C-T.
Other names: short protein forms A990V.
Identifiers: ClinVar variation 967006 (VCV000967006.15), dbSNP rs756720431, ClinGen allele CA3328403.

ClinVar aggregate classification (germline): Uncertain significance. Review status: criteria provided, multiple submitters, no conflicts (2 of 4 stars). 4 submissions from 4 submitters: Uncertain significance (3). 1 of the submissions does not count toward it. Last evaluated 2025-09-14.

Conditions:
Hereditary cancer-predisposing syndrome. Also called: Hereditary neoplastic syndrome; Neoplastic Syndromes, Hereditary; Hereditary Cancer Syndrome; Tumor predisposition. Identifiers: Orphanet 140162, MedGen C0027672, MeSH D009386, MONDO:0015356.
MSH3-related disorder. Also called: MSH3-related condition.
Endometrial carcinoma. Also called: Endometrial carcinoma, somatic. Identifiers: MedGen C0476089, MONDO:0002447, OMIM 608089, HP:0012114.

Allele frequency attached by ClinVar (database versions not stated): gnomAD exomes below 0.00001; TOPMed below 0.00001; ExAC 0.00001.
gnomAD v4.1: 4 of 1,613,778 alleles (0.00025%); highest among the groups gnomAD compares: Non-Finnish European, 0.00034%; no homozygotes.

Submissions (4):

Labcorp Genetics (formerly Invitae), Labcorp
Classification: Uncertain significance. Last evaluated: 2025-09-14. Review status: criteria provided, single submitter. Criteria: Invitae Variant Classification Sherloc (09022015). Collection method: clinical testing. Allele origin: germline.
Comment: This sequence change replaces alanine, which is neutral and non-polar, with valine, which is neutral and non-polar, at codon 990 of the MSH3 protein (p.Ala990Val). This variant is present in population databases (rs756720431, gnomAD 0.0009%). This variant has not been reported in the literature in individuals affected with MSH3-related conditions. ClinVar contains an entry for this variant (Variation ID: 967006). An algorithm developed to predict the effect of missense changes on protein structure and function (PolyPhen-2) suggests that this variant is likely to be disruptive. In summary, the available evidence is currently insufficient to determine the role of this variant in disease. Therefore, it has been classified as a Variant of Uncertain Significance.

Ambry Genetics
Classification: Uncertain significance for Hereditary cancer-predisposing syndrome. Last evaluated: 2024-09-01. Review status: criteria provided, single submitter. Criteria: Ambry Variant Classification Scheme 2023. Collection method: clinical testing. Allele origin: germline.
Comment: The p.A990V variant (also known as c.2969C>T), located in coding exon 21 of the MSH3 gene, results from a C to T substitution at nucleotide position 2969. The alanine at codon 990 is replaced by valine, an amino acid with similar properties. This amino acid position is highly conserved in available vertebrate species. In addition, this alteration is predicted to be deleterious by in silico analysis. Since supporting evidence is limited at this time, the clinical significance of this alteration remains unclear.

Baylor Genetics
Classification: Uncertain significance for Endometrial carcinoma. Last evaluated: 2023-10-10. Review status: criteria provided, single submitter. Criteria: ACMG Guidelines, 2015. Collection method: clinical testing. Allele origin: unknown.

PreventionGenetics, part of Exact Sciences
Classification: Uncertain significance for MSH3-related condition. Last evaluated: 2024-07-24. Review status: no assertion criteria provided. Collection method: clinical testing. Allele origin: germline. Not counted in ClinVar's aggregate classification.
Comment: The MSH3 c.2969C>T variant is predicted to result in the amino acid substitution p.Ala990Val. To our knowledge, this variant has not been reported in the literature. This variant is reported in 0.00088% of alleles in individuals of European (Non-Finnish) descent in gnomAD. This variant is interpreted as uncertain significance in ClinVar. At this time, the clinical significance of this variant is uncertain due to the absence of conclusive functional and genetic evidence.